The following is an entry in ClinVar:

ClinVar aggregate classification (germline): Uncertain significance (1 of 4 stars; one submission).

Submission:

Labcorp Genetics (formerly Invitae), Labcorp
Classification: Uncertain significance. Last evaluated: 2025-03-23. Review status: criteria provided, single submitter. Criteria: Invitae Variant Classification Sherloc (09022015). Collection method: clinical testing. Allele origin: germline.
Comment: This sequence change replaces aspartic acid, which is acidic and polar, with glycine, which is neutral and non-polar, at codon 2673 of the KMT2C protein (p.Asp2673Gly). This variant is not present in population databases (gnomAD no frequency). This variant has not been reported in the literature in individuals affected with KMT2C-related conditions. Invitae Evidence Modeling of protein sequence and biophysical properties (such as structural, functional, and spatial information, amino acid conservation, physicochemical variation, residue mobility, and thermodynamic stability) indicates that this missense variant is not expected to disrupt KMT2C protein function with a negative predictive value of 80%. In summary, the available evidence is currently insufficient to determine the role of this variant in disease. Therefore, it has been classified as a Variant of Uncertain Significance.

NM_170606.3(KMT2C):c.8018A>G (p.Asp2673Gly)

Gene: KMT2C (lysine methyltransferase 2C; minus strand). Cytogenetic location: 7q36.1.
Variant type: single nucleotide variant.
Coding change: c.8018A>G on transcript NM_170606.3 (MANE Select); coding-DNA position 8018, A replaced by G.
Protein change: p.Asp2673Gly; replaces aspartic acid 2673 with glycine.
Molecular consequence: missense variant.
Genome position (GRCh38, 1-based): chr7:152,177,435, T>C on the plus strand (A>G on the coding strand, the complement: KMT2C is on the minus strand). VCF-style: chr7-152177435-T-C. GRCh37 (hg19) VCF-style: chr7-151874520-T-C.
Other names: short protein forms D2673G.
Identifiers: ClinVar variation 4742045 (VCV004742045.1).